The following is an entry in ClinVar:

ClinVar aggregate classification (germline): Uncertain significance. Review status: criteria provided, multiple submitters, no conflicts (2 of 4 stars). 2 submissions from 2 submitters: Uncertain significance (2). Last evaluated 2025-03-26.

Conditions:
Inborn genetic diseases. Identifiers: MedGen C0950123, MeSH D030342.

Allele frequency attached by ClinVar (database versions not stated): ExAC 0.00001; gnomAD 0.00001; TOPMed 0.00001; gnomAD exomes 0.00002.
gnomAD v4.1: 15 of 1,613,494 alleles (0.00093%); highest among the groups gnomAD compares: Non-Finnish European, 0.00017%; no homozygotes.

Submissions (2):

Ambry Genetics
Classification: Uncertain significance for Inborn genetic diseases. Last evaluated: 2025-03-26. Review status: criteria provided, single submitter. Criteria: Ambry Variant Classification Scheme 2023. Collection method: clinical testing. Allele origin: germline.

Labcorp Genetics (formerly Invitae), Labcorp
Classification: Uncertain significance. Last evaluated: 2022-07-15. Review status: criteria provided, single submitter. Criteria: Invitae Variant Classification Sherloc (09022015). Collection method: clinical testing. Allele origin: germline.
Comment: In summary, the available evidence is currently insufficient to determine the role of this variant in disease. Therefore, it has been classified as a Variant of Uncertain Significance. Algorithms developed to predict the effect of missense changes on protein structure and function are either unavailable or do not agree on the potential impact of this missense change (SIFT: "Deleterious"; PolyPhen-2: "Possibly Damaging"; Align-GVGD: "Class C0"). This variant has not been reported in the literature in individuals affected with CSF2RB-related conditions. This variant is present in population databases (rs765176076, gnomAD 0.05%). This sequence change replaces asparagine, which is neutral and polar, with lysine, which is basic and polar, at codon 247 of the CSF2RB protein (p.Asn247Lys).

NM_000395.3(CSF2RB):c.741C>G (p.Asn247Lys)

Gene: CSF2RB (colony stimulating factor 2 receptor subunit beta; plus strand). Cytogenetic location: 22q12.3.
Variant type: single nucleotide variant.
Coding change: c.741C>G on transcript NM_000395.3 (MANE Select); coding-DNA position 741, C replaced by G.
Protein change: p.Asn247Lys; replaces asparagine 247 with lysine.
Molecular consequence: missense variant.
Genome position (GRCh38, 1-based): chr22:36,930,397, C>G. VCF-style: chr22-36930397-C-G. GRCh37 (hg19) VCF-style: chr22-37326439-C-G.
Other names: c.741C>G (NM_000395.2); c.741C>G, p.Asn247Lys (NM_001410827.1); short protein forms N247K.
Identifiers: ClinVar variation 1962080 (VCV001962080.6), dbSNP rs765176076, ClinGen allele CA10213575.